The following is an entry in ClinVar:

ClinVar aggregate classification (germline): Uncertain significance (1 of 4 stars; one submission).

Conditions:
Cardiovascular phenotype. Identifiers: MedGen CN230736.

gnomAD v4.1: 10 of 1,614,058 alleles (0.00062%); highest among the groups gnomAD compares: Non-Finnish European, 0.00085%; no homozygotes.

Submission:

Ambry Genetics
Classification: Uncertain significance for Cardiovascular phenotype. Last evaluated: 2023-09-15. Review status: criteria provided, single submitter. Criteria: Ambry Variant Classification Scheme 2023. Collection method: clinical testing. Allele origin: germline.
Comment: The p.S3916R variant (also known as c.11748C>G), located in coding exon 18 of the ALMS1 gene, results from a C to G substitution at nucleotide position 11748. The serine at codon 3916 is replaced by arginine, an amino acid with dissimilar properties. This amino acid position is well conserved in available vertebrate species. In addition, this alteration is predicted to be tolerated by in silico analysis. Since supporting evidence is limited at this time, the clinical significance of this alteration remains unclear.

Literature cited by the submitters: PubMed 25846608.

NM_001378454.1(ALMS1):c.11745C>G (p.Ser3915Arg)

Gene: ALMS1 (ALMS1 centrosome and basal body associated protein; plus strand). Cytogenetic location: 2p13.1.
Variant type: single nucleotide variant.
Coding change: c.11745C>G on transcript NM_001378454.1 (MANE Select); coding-DNA position 11745, C replaced by G.
Protein change: p.Ser3915Arg; replaces serine 3915 with arginine.
Molecular consequence: missense variant.
Genome position (GRCh38, 1-based): chr2:73,600,754, C>G. VCF-style: chr2-73600754-C-G. GRCh37 (hg19) VCF-style: chr2-73827881-C-G.
Other names: c.11748C>G, p.Ser3916Arg (NM_015120.4); short protein forms S3915R, S3916R.
Identifiers: ClinVar variation 3226580 (VCV003226580.1), dbSNP rs147831309, ClinGen allele CA347264328.